The following is an entry in ClinVar:

ClinVar aggregate classification (germline): Uncertain significance (1 of 4 stars; one submission).

Conditions:
Inborn genetic diseases. Identifiers: MedGen C0950123, MeSH D030342.

gnomAD v4.1: 17 of 1,614,064 alleles (0.0011%); highest among the groups gnomAD compares: Admixed American, 0.027%; no homozygotes.

Submission:

Ambry Genetics
Classification: Uncertain significance for Inborn genetic diseases. Last evaluated: 2025-12-16. Review status: criteria provided, single submitter. Criteria: Ambry Variant Classification Scheme 2023. Collection method: clinical testing. Allele origin: germline.
Comment: The p.I445M variant (also known as c.1335T>G), located in coding exon 9 of the F5 gene, results from a T to G substitution at nucleotide position 1335. The isoleucine at codon 445 is replaced by methionine, an amino acid with highly similar properties. This amino acid position is conserved. In addition, this alteration is predicted to be deleterious by in silico analysis. Based on the available evidence, the clinical significance of this variant remains unclear.

NM_000130.5(F5):c.1335T>G (p.Ile445Met)

Gene: F5 (coagulation factor V; minus strand). Cytogenetic location: 1q24.2.
Variant type: single nucleotide variant.
Coding change: c.1335T>G on transcript NM_000130.5 (MANE Select); coding-DNA position 1335, T replaced by G.
Protein change: p.Ile445Met; replaces isoleucine 445 with methionine.
Molecular consequence: missense variant.
Genome position (GRCh38, 1-based): chr1:169,550,701, A>C on the plus strand (T>G on the coding strand, the complement: F5 is on the minus strand). VCF-style: chr1-169550701-A-C. GRCh37 (hg19) VCF-style: chr1-169519939-A-C.
Other names: short protein forms I445M.
Identifiers: ClinVar variation 4252360 (VCV004252360.2).
Genomic context (GRCh38, chr1:169,550,701, plus strand): 5'-TGAGGTGAAAGAAGAGTTGACTTCATCTTCATAAGGCGAGAAGGTCACTCCATGAGGGTA[A>C]ATGCTATAGGGGCGGCTGGCCATATTTTTGAACACGATCTACAAAGTTAAATCAAATTTA-3'
Protein context (NP_000121.2, residues 435-455): FKNMASRPYS[Ile445Met]YPHGVTFSPY